The following is an entry in ClinVar:

ClinVar aggregate classification (germline): Uncertain significance (1 of 4 stars; one submission).

gnomAD v4.1: 11 of 1,614,018 alleles (0.00068%); highest among the groups gnomAD compares: East Asian, 0.016%; no homozygotes.

Submission:

Labcorp Genetics (formerly Invitae), Labcorp
Classification: Uncertain significance. Last evaluated: 2025-09-15. Review status: criteria provided, single submitter. Criteria: Invitae Variant Classification Sherloc (09022015). Collection method: clinical testing. Allele origin: germline.
Comment: This sequence change replaces leucine, which is neutral and non-polar, with isoleucine, which is neutral and non-polar, at codon 1695 of the NIN protein (p.Leu1695Ile). This variant is present in population databases (rs368708427, gnomAD 0.03%). This variant has not been reported in the literature in individuals affected with NIN-related conditions. ClinVar contains an entry for this variant (Variation ID: 2874200). An algorithm developed to predict the effect of missense changes on protein structure and function (PolyPhen-2) suggests that this variant is likely to be disruptive. In summary, the available evidence is currently insufficient to determine the role of this variant in disease. Therefore, it has been classified as a Variant of Uncertain Significance.

NM_020921.4(NIN):c.5083C>A (p.Leu1695Ile)

Genes: NIN (ninein; minus strand), LOC126861936 (BRD4-independent group 4 enhancer GRCh37_chr14:51210620-51211819; plus strand). Cytogenetic location: 14q22.1.
Variant type: single nucleotide variant.
Coding change: c.5083C>A on transcript NM_020921.4 (MANE Select); coding-DNA position 5083, C replaced by A.
Protein change: p.Leu1695Ile; replaces leucine 1695 with isoleucine.
Molecular consequence: missense variant.
Genome position (GRCh38, 1-based): chr14:50,744,347, G>T on the plus strand (C>A on the coding strand, the complement: NIN is on the minus strand). VCF-style: chr14-50744347-G-T. GRCh37 (hg19) VCF-style: chr14-51211065-G-T.
Other names: c.2944C>A, p.Leu982Ile (NM_016350.5); c.5083C>A, p.Leu1695Ile (NM_182944.3, NM_182946.2); short protein forms L1695I, L982I.
Identifiers: ClinVar variation 2874200 (VCV002874200.3), dbSNP rs368708427, ClinGen allele CA7181402.